The following is an entry in ClinVar:

ClinVar aggregate classification (germline): Likely pathogenic (1 of 4 stars; one submission).

Submission:

Labcorp Genetics (formerly Invitae), Labcorp
Classification: Likely pathogenic. Last evaluated: 2024-12-02. Review status: criteria provided, single submitter. Criteria: Invitae Variant Classification Sherloc (09022015). Collection method: clinical testing. Allele origin: germline.
Comment: This sequence change replaces threonine, which is neutral and polar, with arginine, which is basic and polar, at codon 66 of the ALPL protein (p.Thr66Arg). This variant is not present in population databases (gnomAD no frequency). This missense change has been observed in individual(s) with clinical features of ALPL-related conditions (internal data). It has also been observed to segregate with disease in related individuals. Invitae Evidence Modeling of protein sequence and biophysical properties (such as structural, functional, and spatial information, amino acid conservation, physicochemical variation, residue mobility, and thermodynamic stability) indicates that this missense variant is expected to disrupt ALPL protein function with a positive predictive value of 95%. In summary, the currently available evidence indicates that the variant is pathogenic, but additional data are needed to prove that conclusively. Therefore, this variant has been classified as Likely Pathogenic.

NM_000478.6(ALPL):c.197C>G (p.Thr66Arg)

Gene: ALPL (alkaline phosphatase, biomineralization associated; plus strand). Cytogenetic location: 1p36.12.
Variant type: single nucleotide variant.
Coding change: c.197C>G on transcript NM_000478.6 (MANE Select); coding-DNA position 197, C replaced by G.
Protein change: p.Thr66Arg; replaces threonine 66 with arginine.
Molecular consequence: missense variant. On other transcripts: intron variant (1).
Genome position (GRCh38, 1-based): chr1:21,561,112, C>G. VCF-style: chr1-21561112-C-G. GRCh37 (hg19) VCF-style: chr1-21887605-C-G.
Other names: c.32C>G, p.Thr11Arg (NM_001127501.4); c.197C>G, p.Thr66Arg (NM_001369803.2, NM_001369804.2, NM_001369805.2); c.66+367C>G (NM_001177520.3); short protein forms T11R, T66R.
Identifiers: ClinVar variation 3633515 (VCV003633515.2).